The following is an entry in ClinVar:

NM_001256864.2(DNAJC6):c.1831G>A (p.Ala611Thr)

Gene: DNAJC6 (DnaJ heat shock protein family (Hsp40) member C6; plus strand). Cytogenetic location: 1p31.3.
Variant type: single nucleotide variant.
Coding change: c.1831G>A on transcript NM_001256864.2 (MANE Select); coding-DNA position 1831, G replaced by A.
Protein change: p.Ala611Thr; replaces alanine 611 with threonine.
Molecular consequence: missense variant.
Genome position (GRCh38, 1-based): chr1:65,392,793, G>A. VCF-style: chr1-65392793-G-A. GRCh37 (hg19) VCF-style: chr1-65858476-G-A.
Other names: c.1621G>A, p.Ala541Thr (NM_001256865.2); c.1660G>A, p.Ala554Thr (NM_014787.4); short protein forms A541T, A554T, A611T.
Identifiers: ClinVar variation 1024855 (VCV001024855.8), dbSNP rs1015326337, ClinGen allele CA23920055.

ClinVar aggregate classification (germline): Uncertain significance (1 of 4 stars; one submission).

Conditions:
Juvenile onset Parkinson disease 19A. Also called: DNAJC6 Parkinson Disease; PARK19. Identifiers: Orphanet 391411, MedGen C3809811, MONDO:0014231, OMIM 615528.

Allele frequency attached by ClinVar (database versions not stated): gnomAD 0.00001; gnomAD exomes 0.00001; TOPMed 0.00001.
gnomAD v4.1: 10 of 1,602,206 alleles (0.00062%); highest among the groups gnomAD compares: Non-Finnish European, 0.00085%; no homozygotes.

Submission:

Labcorp Genetics (formerly Invitae), Labcorp
Classification: Uncertain significance for Juvenile onset Parkinson disease 19A. Last evaluated: 2020-08-31. Review status: criteria provided, single submitter. Criteria: Invitae Variant Classification Sherloc (09022015). Collection method: clinical testing. Allele origin: germline.
Comment: This variant has not been reported in the literature in individuals with DNAJC6-related conditions. Algorithms developed to predict the effect of missense changes on protein structure and function output the following: SIFT: "Tolerated"; PolyPhen-2: "Benign"; Align-GVGD: "Class C0". The threonine amino acid residue is found in multiple mammalian species, suggesting that this missense change does not adversely affect protein function. These predictions have not been confirmed by published functional studies and their clinical significance is uncertain. In summary, the available evidence is currently insufficient to determine the role of this variant in disease. Therefore, it has been classified as a Variant of Uncertain Significance. This variant is not present in population databases (ExAC no frequency). This sequence change replaces alanine with threonine at codon 611 of the DNAJC6 protein (p.Ala611Thr). The alanine residue is weakly conserved and there is a small physicochemical difference between alanine and threonine.